The following is an entry in ClinVar:

NM_000260.4(MYO7A):c.5030C>T (p.Pro1677Leu)

Gene: MYO7A (myosin VIIA; plus strand). Cytogenetic location: 11q13.5.
Variant type: single nucleotide variant.
Coding change: c.5030C>T on transcript NM_000260.4 (MANE Select); coding-DNA position 5030, C replaced by T.
Protein change: p.Pro1677Leu; replaces proline 1677 with leucine.
Molecular consequence: missense variant.
Genome position (GRCh38, 1-based): chr11:77,201,625, C>T. VCF-style: chr11-77201625-C-T. GRCh37 (hg19) VCF-style: chr11-76912670-C-T.
Other names: c.4916C>T, p.Pro1639Leu (NM_001127180.2); c.4883C>T, p.Pro1628Leu (NM_001369365.1); short protein forms P1639L, P1677L, P1628L.
Identifiers: ClinVar variation 2907757 (VCV002907757.1), dbSNP rs376977190, ClinGen allele CA6198598.

ClinVar aggregate classification (germline): Uncertain significance (1 of 4 stars; one submission).

Allele frequency attached by ClinVar (database versions not stated): TOPMed below 0.00001; gnomAD 0.00001; ESP Exome Variant Server 0.00008.
gnomAD v4.1: 4 of 1,613,232 alleles (0.00025%); highest among the groups gnomAD compares: East Asian, 0.0022%; no homozygotes.

Submission:

Labcorp Genetics (formerly Invitae), Labcorp
Classification: Uncertain significance. Last evaluated: 2023-11-21. Review status: criteria provided, single submitter. Criteria: Invitae Variant Classification Sherloc (09022015). Collection method: clinical testing. Allele origin: germline.
Comment: This sequence change replaces proline, which is neutral and non-polar, with leucine, which is neutral and non-polar, at codon 1677 of the MYO7A protein (p.Pro1677Leu). This variant is present in population databases (rs376977190, gnomAD 0.007%). This variant has not been reported in the literature in individuals affected with MYO7A-related conditions. Advanced modeling of protein sequence and biophysical properties (such as structural, functional, and spatial information, amino acid conservation, physicochemical variation, residue mobility, and thermodynamic stability) performed at Invitae indicates that this missense variant is not expected to disrupt MYO7A protein function with a negative predictive value of 95%. In summary, the available evidence is currently insufficient to determine the role of this variant in disease. Therefore, it has been classified as a Variant of Uncertain Significance.